The following is an entry in ClinVar:

NM_177924.5(ASAH1):c.*618C>T

Gene: ASAH1 (N-acylsphingosine amidohydrolase 1; minus strand). Cytogenetic location: 8p22.
Variant type: single nucleotide variant.
Coding change: c.*618C>T on transcript NM_177924.5 (MANE Select); 618 bases downstream of the stop codon, C replaced by T.
Molecular consequence: 3 prime UTR variant.
Genome position (GRCh38, 1-based): chr8:18,056,916, G>A on the plus strand (C>T on the coding strand, the complement: ASAH1 is on the minus strand). VCF-style: chr8-18056916-G-A. GRCh37 (hg19) VCF-style: chr8-17914425-G-A.
Other names: c.*618C>T (NM_001127505.3, NM_001363743.2, NM_004315.6).
Identifiers: ClinVar variation 2658455 (VCV002658455.24), dbSNP rs147840438, ClinGen allele CA173134803.

ClinVar aggregate classification (germline): Likely benign (1 of 4 stars; one submission).

Allele frequency attached by ClinVar (database versions not stated): 1000 Genomes Project 30x 0.00250; 1000 Genomes Project 0.00260.

Submission:

CeGaT Center for Human Genetics Tuebingen
Classification: Likely benign. Last evaluated: 2023-01-01. Review status: criteria provided, single submitter. Criteria: CeGaT Center For Human Genetics Tuebingen Variant Classification Criteria Version 2. Collection method: clinical testing. Allele origin: germline. Affected: yes. Observed: 1 variant allele.
Comment: ASAH1: BS1